The following is an entry in ClinVar:

ClinVar aggregate classification (germline): Uncertain significance (1 of 4 stars; one submission).

Allele frequency attached by ClinVar (database versions not stated): gnomAD exomes below 0.00001.
gnomAD v4.1: 1 of 1,613,870 alleles (0.000062%); highest among the groups gnomAD compares: South Asian, 0.0011%; no homozygotes.

Submission:

GeneDx
Classification: Uncertain significance. Last evaluated: 2022-06-06. Review status: criteria provided, single submitter. Criteria: GeneDx Variant Classification Process June 2021. Collection method: clinical testing. Allele origin: germline. Affected: yes.
Comment: Not observed at significant frequency in large population cohorts (gnomAD); In silico analysis supports that this missense variant does not alter protein structure/function; Has not been previously published as pathogenic or benign to our knowledge

NM_006662.3(SRCAP):c.3817T>C (p.Ser1273Pro)

Gene: SRCAP (Snf2 related CREBBP activator protein; plus strand). Cytogenetic location: 16p11.2.
Variant type: single nucleotide variant.
Coding change: c.3817T>C on transcript NM_006662.3 (MANE Select); coding-DNA position 3817, T replaced by C.
Protein change: p.Ser1273Pro; replaces serine 1273 with proline.
Molecular consequence: missense variant.
Genome position (GRCh38, 1-based): chr16:30,722,673, T>C. VCF-style: chr16-30722673-T-C. GRCh37 (hg19) VCF-style: chr16-30733994-T-C.
Other names: short protein forms S1273P.
Identifiers: ClinVar variation 1803413 (VCV001803413.1), dbSNP rs2506671810, ClinGen allele CA395614780.